The following is an entry in ClinVar:

NM_006030.4(CACNA2D2):c.2086G>A (p.Glu696Lys)

Genes: CACNA2D2 (calcium voltage-gated channel auxiliary subunit alpha2delta 2; minus strand), LOC127898564 (CYB561D2-LOC101928965; plus strand), LOC101928965 (uncharacterized LOC101928965; plus strand). Cytogenetic location: 3p21.31.
Variant type: single nucleotide variant.
Coding change: c.2086G>A on transcript NM_006030.4 (MANE Select); coding-DNA position 2086, G replaced by A.
Protein change: p.Glu696Lys; replaces glutamic acid 696 with lysine.
Molecular consequence: missense variant. On other transcripts: non-coding transcript variant (3).
Genome position (GRCh38, 1-based): chr3:50,368,195, C>T on the plus strand (G>A on the coding strand, the complement: CACNA2D2 is on the minus strand). VCF-style: chr3-50368195-C-T. GRCh37 (hg19) VCF-style: chr3-50405626-C-T.
Other names: c.2086G>A, p.Glu696Lys (NM_001005505.3); c.2107G>A, p.Glu703Lys (NM_001174051.3); c.1879G>A, p.Glu627Lys (NM_001291101.1); short protein forms E627K, E696K, E703K.
Identifiers: ClinVar variation 1052012 (VCV001052012.3), dbSNP rs150585955, ClinGen allele CA2418597.

ClinVar aggregate classification (germline): Uncertain significance (1 of 4 stars; one submission).

Conditions:
Developmental and epileptic encephalopathy. Identifiers: MedGen C5779964, MONDO:0100620.

Allele frequency attached by ClinVar (database versions not stated): gnomAD exomes 0.00001 and 0.00002; ExAC 0.00002; gnomAD 0.00002 and 0.00003; TOPMed 0.00004; ESP Exome Variant Server 0.00008.
gnomAD v4.1: 9 of 1,613,746 alleles (0.00056%); highest among the groups gnomAD compares: African/African-American, 0.0053%; no homozygotes.

Submission:

Labcorp Genetics (formerly Invitae), Labcorp
Classification: Uncertain significance for Early-infantile DEE. Last evaluated: 2022-08-15. Review status: criteria provided, single submitter. Criteria: Invitae Variant Classification Sherloc (09022015). Collection method: clinical testing. Allele origin: germline.
Comment: This sequence change replaces glutamic acid, which is acidic and polar, with lysine, which is basic and polar, at codon 696 of the CACNA2D2 protein (p.Glu696Lys). This variant is present in population databases (rs150585955, gnomAD 0.007%). This variant has not been reported in the literature in individuals affected with CACNA2D2-related conditions. ClinVar contains an entry for this variant (Variation ID: 1052012). Algorithms developed to predict the effect of missense changes on protein structure and function are either unavailable or do not agree on the potential impact of this missense change (SIFT: "Deleterious"; PolyPhen-2: "Possibly Damaging"; Align-GVGD: "Class C0"). In summary, the available evidence is currently insufficient to determine the role of this variant in disease. Therefore, it has been classified as a Variant of Uncertain Significance.